The following is an entry in ClinVar:

ClinVar aggregate classification (germline): Uncertain significance (1 of 4 stars; one submission).

Allele frequency attached by ClinVar (database versions not stated): ExAC 0.00001; gnomAD 0.00001; gnomAD exomes 0.00001 and 0.00002; TOPMed 0.00001.
gnomAD v4.1: 35 of 1,614,112 alleles (0.0022%); highest among the groups gnomAD compares: Non-Finnish European, 0.0029%; no homozygotes.

Submission:

Labcorp Genetics (formerly Invitae), Labcorp
Classification: Uncertain significance. Last evaluated: 2024-04-10. Review status: criteria provided, single submitter. Criteria: Invitae Variant Classification Sherloc (09022015). Collection method: clinical testing. Allele origin: germline.
Comment: This sequence change falls in intron 16 of the CFB gene. It does not directly change the encoded amino acid sequence of the CFB protein. It affects a nucleotide within the consensus splice site. This variant is present in population databases (rs747605859, gnomAD 0.002%). This variant has not been reported in the literature in individuals affected with CFB-related conditions. ClinVar contains an entry for this variant (Variation ID: 1429152). Variants that disrupt the consensus splice site are a relatively common cause of aberrant splicing (PMID: 17576681, 9536098). Algorithms developed to predict the effect of sequence changes on RNA splicing suggest that this variant may disrupt the consensus splice site. In summary, the available evidence is currently insufficient to determine the role of this variant in disease. Therefore, it has been classified as a Variant of Uncertain Significance.

Literature cited by the submitters: PubMed 17576681; PubMed 9536098.

NM_001710.6(CFB):c.2089+5G>C

Gene: CFB (complement factor B; plus strand). Cytogenetic location: 6p21.33.
Variant type: single nucleotide variant.
Coding change: c.2089+5G>C on transcript NM_001710.6 (MANE Select); 5 bases into the intron after coding-DNA position 2089, G replaced by C.
Molecular consequence: intron variant.
Genome position (GRCh38, 1-based): chr6:31,951,478, G>C. VCF-style: chr6-31951478-G-C. GRCh37 (hg19) VCF-style: chr6-31919255-G-C.
Identifiers: ClinVar variation 1429152 (VCV001429152.6), dbSNP rs747605859, ClinGen allele CA3728535.